The following is an entry in ClinVar:

ClinVar aggregate classification (germline): Conflicting classifications of pathogenicity. Review status: criteria provided, conflicting classifications (1 of 4 stars). 16 submissions from 16 submitters: Uncertain significance (8); Likely benign (3). 5 of the submissions do not count toward it. Last evaluated 2025-11-22.

Conditions:
Pancreatic cancer, susceptibility to, 2. Identifiers: Orphanet 1333, MedGen C3150546, MONDO:0013235, OMIM 613347.
Glioma susceptibility 3 (GLM3). Also called: Glioblastoma 3. Identifiers: Orphanet 182067, Orphanet 360, MedGen C2751641, MONDO:0013093, OMIM 613029.
Familial prostate cancer. Also called: Hereditary Prostate Cancer. Identifiers: MedGen C2931456, MONDO:0700275, OMIM 176807.
Breast-ovarian cancer, familial, susceptibility to, 2 (BROVCA2). Also called: BRCA2 Hereditary Breast and Ovarian Cancer. Identifiers: Orphanet 145, MedGen C2675520, MONDO:0012933, OMIM 612555. Disease mechanism: loss of function.
Fanconi anemia complementation group D1. Also called: BRCA2-Related Fanconi Anemia. Identifiers: Orphanet 319462, MedGen C1838457, MONDO:0011584, OMIM 605724.
Medulloblastoma (MDB). Also called: Medulloblastoma, somatic; MEDULLOBLASTOMA PREDISPOSITION SYNDROME. Identifiers: Orphanet 616, MedGen C0025149, MeSH D008527, MONDO:0007959, OMIM 155255, HP:0002885.
Wilms tumor 1 (WT1). Also called: Wilms tumor, somatic. Identifiers: Orphanet 654, MedGen CN033288, MONDO:0008679, OMIM 194070.
Familial cancer of breast. Also called: BREAST CANCER, FAMILIAL; hereditary breast carcinoma; Hereditary breast cancer. Identifiers: Orphanet 227535, MedGen C0346153, MONDO:0016419, OMIM 114480. Disease mechanism: loss of function.
BRCA2-related cancer predisposition. Identifiers: MedGen CN377758, MONDO:0700269.
Hereditary cancer-predisposing syndrome. Also called: Neoplastic Syndromes, Hereditary; Tumor predisposition; Hereditary Cancer Syndrome; Hereditary neoplastic syndrome. Identifiers: Orphanet 140162, MedGen C0027672, MeSH D009386, MONDO:0015356.
Hereditary breast ovarian cancer syndrome. Also called: Breast and ovarian cancer; Hereditary breast and ovarian cancer; Hereditary breast and ovarian cancer syndrome (HBOC); Hereditary breast and ovarian cancer syndrome; BRCA1- and BRCA2-Associated Hereditary Breast and Ovarian Cancer; Hereditary breast and/or ovarian cancer syndrome. Identifiers: Orphanet 145, MedGen C0677776, MeSH D061325, MONDO:0003582. Disease mechanism: loss of function.

Allele frequency attached by ClinVar (database versions not stated): gnomAD exomes below 0.00001 and 0.00001; TOPMed 0.00001; gnomAD 0.00003.
gnomAD v4.1: 10 of 1,614,038 alleles (0.00062%); highest among the groups gnomAD compares: Non-Finnish European, 0.00085%; no homozygotes.

Submissions 1 to 6 of 16:

Labcorp Genetics (formerly Invitae), Labcorp
Classification: Uncertain significance for Hereditary breast ovarian cancer syndrome. Last evaluated: 2025-11-22. Review status: criteria provided, single submitter. Criteria: Invitae Variant Classification Sherloc (09022015). Collection method: clinical testing. Allele origin: germline.
Comment: This sequence change replaces aspartic acid, which is acidic and polar, with asparagine, which is neutral and polar, at codon 2712 of the BRCA2 protein (p.Asp2712Asn). This variant is present in population databases (rs80359056, gnomAD 0.0009%). This missense change has been observed in individual(s) with breast cancer (PMID: 20104584). ClinVar contains an entry for this variant (Variation ID: 52509). Invitae Evidence Modeling incorporating data from in vitro experimental studies (PMID: 33609447) indicates that this missense variant is not expected to disrupt BRCA2 function with a negative predictive value of 95%. Experimental studies have shown that this missense change does not substantially affect BRCA2 function (PMID: 29884841, 35736817). In summary, the available evidence is currently insufficient to determine the role of this variant in disease. Therefore, it has been classified as a Variant of Uncertain Significance.

Women's Health and Genetics/Laboratory Corporation of America, LabCorp
Classification: Uncertain significance. Last evaluated: 2025-04-17. Review status: criteria provided, single submitter. Criteria: LabCorp Variant Classification Summary - May 2015. Collection method: clinical testing. Allele origin: germline.
Comment: Variant summary: BRCA2 c.8134G>A (p.Asp2712Asn) results in a conservative amino acid change in the encoded protein sequence. Four of five in-silico tools predict a benign effect of the variant on protein function. The variant allele was found at a frequency of 4e-06 in 251328 control chromosomes (gnomAD). The available data on variant occurrences in the general population are insufficient to allow any conclusion about variant significance. c.8134G>A has been reported in the literature in an individual affected with contralateral breast cancer without strong evidence for causality (Borg_2010). In a large study evaluating breast cancer cases and controls in the Breast Cancer Association Consortium (BCAC), the variant was reported in 2/60466 cases, but was also found in 1/53461 controls (Dorling_2021). These reports do not provide unequivocal conclusions about association of the variant with Hereditary Breast And Ovarian Cancer Syndrome. At least one publication reports experimental evidence evaluating an impact on HDR function (Hu_2024). These results showed no damaging effect of this variant. The following publications have been ascertained in the context of this evaluation (PMID: 20104584, 19043619, 33471991, 38417439). ClinVar contains an entry for this variant (Variation ID: 52509). Based on the evidence outlined above, the variant was classified as uncertain significance.

Quest Diagnostics Nichols Institute San Juan Capistrano
Classification: Uncertain significance. Last evaluated: 2024-07-09. Review status: criteria provided, single submitter. Criteria: Quest Diagnostics criteria. Collection method: clinical testing. Allele origin: unknown.
Comment: The BRCA2 c.8134G>A (p.Asp2712Asn) variant has been reported in the published literature in individuals with breast cancer (PMID: 20104584 (2010)). Functional studies utilizing a homology-directed repair (HDR) assay suggest that this variant does not affect protein function (PMIDs: 29884841 (2019), 33609447 (2021), and 35736817 (2022)). The frequency of this variant in the general population, 0.000004 (1/251328 chromosomes (Genome Aggregation Database)), is uninformative in the assessment of its pathogenicity. Analysis of this variant using bioinformatics tools for the prediction of the effect of amino acid changes on protein structure and function yielded predictions that this variant is benign. Based on the available information, we are unable to determine the clinical significance of this variant.

All of Us Research Program, National Institutes of Health
Classification: Uncertain significance for BRCA2-related cancer predisposition. Last evaluated: 2024-05-14. Review status: criteria provided, single submitter. Criteria: ACMG Guidelines, 2015. Collection method: clinical testing. Allele origin: germline. Inheritance: Autosomal dominant inheritance. Observed: 2 variant alleles, 2 heterozygotes.
Comment: This missense variant replaces aspartic acid with asparagine at codon 2712 of the BRCA2 protein. Computational prediction suggests that this variant may not impact protein structure and function (internally defined REVEL score threshold <= 0.5, PMID: 27666373). A functional study has shown that this variant does not have a significant effect on homology-directed DNA repair activity (PMID: 29884841). This variant has been reported in individuals affected with breast cancer (PMID: 20104584, 33471991). In a large breast cancer case-control study conducted by the BRIDGES consortium, this variant was reported in 2/60466 cases and 1/53461 unaffected controls, showing inconclusive association with disease (OR=1.768 (95%CI 0.16 to 19.503); p-value=1; Leiden Open Variation Database DB-ID BRCA2_000283) (PMID: 33471991). This variant has been identified in 1/251328 chromosomes in the general population by the Genome Aggregation Database (gnomAD). The available evidence is insufficient to determine the role of this variant in disease conclusively. Therefore, this variant is classified as a Variant of Uncertain Significance.

This study involves interpretation of variants in research participants for the purpose of population health screening. Participant phenotype was not available at the time of variant classification. Additional details can be found in publication PMID: 35346344, PMCID: PMC8962531

Color Diagnostics, LLC DBA Color Health
Classification: Uncertain significance for Hereditary cancer-predisposing syndrome. Last evaluated: 2024-04-23. Review status: criteria provided, single submitter. Criteria: ACMG Guidelines, 2015. Collection method: clinical testing. Allele origin: germline.
Comment: This missense variant replaces aspartic acid with asparagine at codon 2712 of the BRCA2 protein. Computational prediction suggests that this variant may not impact protein structure and function. Functional studies have shown that this variant does not impact homology-directed DNA repair activity (PMID: 29884841, 35736817). This variant has been reported in an individual affected with contralateral breast cancer (PMID: 20104584). In a large breast cancer case-control study conducted by the BRIDGES consortium, this variant was reported in 2/60466 cases and 1/53461 unaffected controls (PMID: 33471991; Leiden Open Variation Database DB-ID BRCA2_000283). This variant has been identified in 1/251328 chromosomes in the general population by the Genome Aggregation Database (gnomAD). The available evidence is insufficient to determine the role of this variant in disease conclusively. Therefore, this variant is classified as a Variant of Uncertain Significance.

Fulgent Genetics
Classification: Uncertain significance for Familial cancer of breast; Medulloblastoma; Familial prostate cancer; Wilms tumor 1; Fanconi anemia complementation group D1; Breast-ovarian cancer, familial, susceptibility to, 2; Glioma susceptibility 3; Pancreatic cancer, susceptibility to, 2. Last evaluated: 2024-03-10. Review status: criteria provided, single submitter. Criteria: ACMG Guidelines, 2015. Collection method: clinical testing. Allele origin: germline.

NM_000059.4(BRCA2):c.8134G>A (p.Asp2712Asn)

Gene: BRCA2 (BRCA2 DNA repair associated; plus strand). Cytogenetic location: 13q13.1.
Variant type: single nucleotide variant.
Coding change: c.8134G>A on transcript NM_000059.4 (MANE Select); coding-DNA position 8134, G replaced by A.
Protein change: p.Asp2712Asn; replaces aspartic acid 2712 with asparagine.
Molecular consequence: missense variant.
Genome position (GRCh38, 1-based): chr13:32,363,336, G>A. VCF-style: chr13-32363336-G-A. GRCh37 (hg19) VCF-style: chr13-32937473-G-A.
Other names: 8362G>A; short protein forms D2712N.
Identifiers: ClinVar variation 52509 (VCV000052509.32), dbSNP rs80359056, ClinGen allele CA025466.